The following is an entry in ClinVar:

NM_016169.4(SUFU):c.245C>T (p.Ala82Val)

Gene: SUFU (SUFU negative regulator of hedgehog signaling; plus strand). Cytogenetic location: 10q24.32.
Variant type: single nucleotide variant.
Coding change: c.245C>T on transcript NM_016169.4 (MANE Select); coding-DNA position 245, C replaced by T.
Protein change: p.Ala82Val; replaces alanine 82 with valine.
Molecular consequence: missense variant.
Genome position (GRCh38, 1-based): chr10:102,509,231, C>T. VCF-style: chr10-102509231-C-T. GRCh37 (hg19) VCF-style: chr10-104268988-C-T.
Other names: c.245C>T, p.Ala82Val (NM_001178133.2); short protein forms A82V.
Identifiers: ClinVar variation 1791610 (VCV001791610.5), dbSNP rs2544845920, ClinGen allele CA377888673.

ClinVar aggregate classification (germline): Uncertain significance. Review status: criteria provided, multiple submitters, no conflicts (2 of 4 stars). 2 submissions from 2 submitters: Uncertain significance (2). Last evaluated 2025-10-01.

Conditions:
Gorlin syndrome. Also called: Basal cell nevus syndrome; Nevoid Basal Cell Carcinoma Syndrome. Identifiers: Orphanet 377, MedGen C0004779, MONDO:0007187.
Medulloblastoma (MDB). Also called: MEDULLOBLASTOMA PREDISPOSITION SYNDROME; Medulloblastoma, somatic. Identifiers: Orphanet 616, MedGen C0025149, MeSH D008527, MONDO:0007959, OMIM 155255, HP:0002885.
Hereditary cancer-predisposing syndrome. Also called: Neoplastic Syndromes, Hereditary; Tumor predisposition; Hereditary neoplastic syndrome; Hereditary Cancer Syndrome. Identifiers: Orphanet 140162, MedGen C0027672, MeSH D009386, MONDO:0015356.

Allele frequency attached by ClinVar (database versions not stated): gnomAD exomes below 0.00001.
gnomAD v4.1: 1 of 1,614,216 alleles (0.000062%); highest among the groups gnomAD compares: African/African-American, 0.0013%; no homozygotes.

Submissions (2):

Labcorp Genetics (formerly Invitae), Labcorp
Classification: Uncertain significance for Gorlin syndrome; Medulloblastoma. Last evaluated: 2025-10-01. Review status: criteria provided, single submitter. Criteria: Invitae Variant Classification Sherloc (09022015). Collection method: clinical testing. Allele origin: germline.
Comment: This sequence change replaces alanine, which is neutral and non-polar, with valine, which is neutral and non-polar, at codon 82 of the SUFU protein (p.Ala82Val). This variant is not present in population databases (gnomAD no frequency). This variant has not been reported in the literature in individuals affected with SUFU-related conditions. ClinVar contains an entry for this variant (Variation ID: 1791610). Invitae Evidence Modeling of protein sequence and biophysical properties (such as structural, functional, and spatial information, amino acid conservation, physicochemical variation, residue mobility, and thermodynamic stability) indicates that this missense variant is not expected to disrupt SUFU protein function with a negative predictive value of 80%. In summary, the available evidence is currently insufficient to determine the role of this variant in disease. Therefore, it has been classified as a Variant of Uncertain Significance.

Ambry Genetics
Classification: Uncertain significance for Hereditary cancer-predisposing syndrome. Last evaluated: 2024-03-06. Review status: criteria provided, single submitter. Criteria: Ambry Variant Classification Scheme 2023. Collection method: clinical testing. Allele origin: germline.
Comment: The p.A82V variant (also known as c.245C>T), located in coding exon 2 of the SUFU gene, results from a C to T substitution at nucleotide position 245. The alanine at codon 82 is replaced by valine, an amino acid with similar properties. This amino acid position is not well conserved in available vertebrate species. In addition, this alteration is predicted to be tolerated by in silico analysis. Since supporting evidence is limited at this time, the clinical significance of this alteration remains unclear.